The following is an entry in ClinVar:

ClinVar aggregate classification (germline): Uncertain significance (1 of 4 stars; one submission).

Conditions:
Inborn genetic diseases. Identifiers: MedGen C0950123, MeSH D030342.

Allele frequency attached by ClinVar (database versions not stated): TOPMed 0.00002; 1000 Genomes Project 30x 0.00031.

Submission:

Ambry Genetics
Classification: Uncertain significance for Inborn genetic diseases. Last evaluated: 2026-05-21. Review status: criteria provided, single submitter. Criteria: Ambry Variant Classification Scheme 2023. Collection method: clinical testing. Allele origin: germline.
Comment: The c.497G>C (p.R166P) alteration is located in exon 1 (coding exon 1) of the PANK2 gene. This alteration results from a G to C substitution at nucleotide position 497, causing the arginine (R) at amino acid position 166 to be replaced by a proline (P). Based on data from gnomAD, the C allele has an overall frequency of 0.002% (2/110958) total alleles studied. The highest observed frequency was 0.0048% (1/20858) of Latin alleles. This amino acid position is highly conserved in available vertebrate species. The in silico prediction for this alteration is inconclusive. Based on insufficient or conflicting evidence, the clinical significance of this alteration remains unclear.

NM_001386393.1(PANK2):c.167G>C (p.Arg56Pro)

Genes: PANK2 (pantothenate kinase 2; plus strand), LOC130065345 (ATAC-STARR-seq lymphoblastoid silent region 12635; plus strand). Cytogenetic location: 20p13.
Variant type: single nucleotide variant.
Coding change: c.167G>C on transcript NM_001386393.1 (MANE Select); coding-DNA position 167, G replaced by C.
Protein change: p.Arg56Pro; replaces arginine 56 with proline.
Molecular consequence: missense variant. On other transcripts: 5 prime UTR variant (1), non-coding transcript variant (1), intron variant (1).
Genome position (GRCh38, 1-based): chr20:3,889,597, G>C. VCF-style: chr20-3889597-G-C. GRCh37 (hg19) VCF-style: chr20-3870244-G-C.
Other names: c.-545G>C (NM_001324191.2); c.497G>C, p.Arg166Pro (NM_001324192.1, NM_153638.4); c.-246+693G>C (NM_024960.6); short protein forms R166P, R56P.
Identifiers: ClinVar variation 2257211 (VCV002257211.3), dbSNP rs761026167, ClinGen allele CA9750589.